The following is an entry in ClinVar:

ClinVar aggregate classification (germline): Uncertain significance. Review status: criteria provided, multiple submitters, no conflicts (2 of 4 stars). 3 submissions from 3 submitters: Uncertain significance (3). Last evaluated 2026-01-13.

Conditions:
Noonan syndrome 9 (NS9). Identifiers: Orphanet 648, MedGen C4225282, MONDO:0014691, OMIM 616559.

Submissions (3):

GeneDx
Classification: Uncertain significance. Last evaluated: 2026-01-13. Review status: criteria provided, single submitter. Criteria: GeneDx Variant Classification Process June 2021. Collection method: clinical testing. Allele origin: germline.
Comment: Not observed at significant frequency in large population cohorts (gnomAD); In silico analysis supports that this missense variant has a deleterious effect on protein structure/function; Has not been previously published as pathogenic or benign to our knowledge

Labcorp Genetics (formerly Invitae), Labcorp
Classification: Uncertain significance for Noonan syndrome 9. Last evaluated: 2023-09-27. Review status: criteria provided, single submitter. Criteria: Invitae Variant Classification Sherloc (09022015). Collection method: clinical testing. Allele origin: germline.
Comment: This sequence change replaces glycine, which is neutral and non-polar, with serine, which is neutral and polar, at codon 259 of the SOS2 protein (p.Gly259Ser). This variant is not present in population databases (gnomAD no frequency). This variant has not been reported in the literature in individuals affected with SOS2-related conditions. ClinVar contains an entry for this variant (Variation ID: 1804331). Advanced modeling of protein sequence and biophysical properties (such as structural, functional, and spatial information, amino acid conservation, physicochemical variation, residue mobility, and thermodynamic stability) performed at Invitae indicates that this missense variant is not expected to disrupt SOS2 protein function. Algorithms developed to predict the effect of sequence changes on RNA splicing suggest that this variant may disrupt the consensus splice site. In summary, the available evidence is currently insufficient to determine the role of this variant in disease. Therefore, it has been classified as a Variant of Uncertain Significance.

ARUP Laboratories, Molecular Genetics and Genomics, ARUP Laboratories
Classification: Uncertain significance for Noonan syndrome 9. Last evaluated: 2022-07-08. Review status: criteria provided, single submitter. Criteria: ARUP Molecular Germline Variant Investigation Process 2021. Collection method: clinical testing. Allele origin: germline.
Comment: The SOS2 c.775G>A; p.Gly259Ser variant, to our knowledge, is not reported in the medical literature or gene specific databases. This variant is absent from the Genome Aggregation Database, indicating it is not a common polymorphism. The glycine at codon 259 is highly conserved, but computational analyses are uncertain whether this variant is neutral or deleterious (REVEL: 0.388). Due to limited information, the clinical significance of this variant is uncertain at this time.

NM_006939.4(SOS2):c.775G>A (p.Gly259Ser)

Gene: SOS2 (SOS Ras/Rho guanine nucleotide exchange factor 2; minus strand). Cytogenetic location: 14q21.3.
Variant type: single nucleotide variant.
Coding change: c.775G>A on transcript NM_006939.4 (MANE Select); coding-DNA position 775, G replaced by A.
Protein change: p.Gly259Ser; replaces glycine 259 with serine.
Molecular consequence: missense variant.
Genome position (GRCh38, 1-based): chr14:50,182,546, C>T on the plus strand (G>A on the coding strand, the complement: SOS2 is on the minus strand). VCF-style: chr14-50182546-C-T. GRCh37 (hg19) VCF-style: chr14-50649264-C-T.
Other names: c.775G>A, p.Gly259Ser (NM_001411020.1); short protein forms G259S.
Identifiers: ClinVar variation 1804331 (VCV001804331.9), dbSNP rs2503104755, ClinGen allele CA389647774.